The following is an entry in ClinVar:

ClinVar aggregate classification (germline): Conflicting classifications of pathogenicity. Review status: criteria provided, conflicting classifications (1 of 4 stars). 4 submissions from 4 submitters: Uncertain significance (3); Likely benign (1). Last evaluated 2026-02-03.

Conditions:
Familial colorectal cancer type X. Identifiers: Orphanet 440437, MedGen C3896578, MONDO:0018604.
Polymerase proofreading-related adenomatous polyposis. Also called: Polymerase proofreading associated polyposis; Polymerase proofreading–associated polyposis (PPAP). Identifiers: Orphanet 447877, MedGen C5202613, MONDO:0018653.
Hereditary cancer-predisposing syndrome. Also called: Hereditary Cancer Syndrome; Hereditary neoplastic syndrome; Neoplastic Syndromes, Hereditary; Tumor predisposition. Identifiers: Orphanet 140162, MedGen C0027672, MeSH D009386, MONDO:0015356.

Allele frequency attached by ClinVar (database versions not stated): gnomAD 0.00001; ExAC 0.00002; TOPMed 0.00002; gnomAD exomes 0.00003 and 0.00005.
gnomAD v4.1: 48 of 1,613,734 alleles (0.003%); highest among the groups gnomAD compares: South Asian, 0.011%; no homozygotes.

Submissions (4):

Labcorp Genetics (formerly Invitae), Labcorp
Classification: Uncertain significance. Last evaluated: 2026-02-03. Review status: criteria provided, single submitter. Criteria: Invitae Variant Classification Sherloc (09022015). Collection method: clinical testing. Allele origin: germline.
Comment: This sequence change replaces alanine, which is neutral and non-polar, with valine, which is neutral and non-polar, at codon 1375 of the POLE protein (p.Ala1375Val). This variant is present in population databases (rs766168647, gnomAD 0.02%). This missense change has been observed in individual(s) with brain cancer and/or breast cancer (PMID: 34326862). ClinVar contains an entry for this variant (Variation ID: 405698). Invitae Evidence Modeling of protein sequence and biophysical properties (such as structural, functional, and spatial information, amino acid conservation, physicochemical variation, residue mobility, and thermodynamic stability) indicates that this missense variant is not expected to disrupt POLE protein function with a negative predictive value of 80%. In summary, the available evidence is currently insufficient to determine the role of this variant in disease. Therefore, it has been classified as a Variant of Uncertain Significance.

Ambry Genetics
Classification: Likely benign for Hereditary cancer-predisposing syndrome. Last evaluated: 2024-08-23. Review status: criteria provided, single submitter. Criteria: Ambry Variant Classification Scheme 2023. Collection method: clinical testing. Allele origin: germline.

GeneDx
Classification: Uncertain significance. Last evaluated: 2023-03-30. Review status: criteria provided, single submitter. Criteria: GeneDx Variant Classification Process June 2021. Collection method: clinical testing. Allele origin: germline. Affected: yes.
Comment: In silico analysis supports that this missense variant does not alter protein structure/function; Has not been previously published as pathogenic or benign to our knowledge; This variant is associated with the following publications: (PMID: 25233892, 29320758)

Department of Pathology and Laboratory Medicine, Sinai Health System
Classification: Uncertain significance for Polymerase proofreading-related adenomatous polyposis; Familial colorectal cancer type X. Last evaluated: 2021-06-11. Review status: criteria provided, single submitter. Criteria: ACMG Guidelines, 2015. Collection method: clinical testing. Allele origin: germline. Affected: yes.

Literature cited by the submitters: PubMed 34326862 (cited by Labcorp Genetics (formerly Invitae), Labcorp).

NM_006231.4(POLE):c.4124C>T (p.Ala1375Val)

Gene: POLE (DNA polymerase epsilon, catalytic subunit; minus strand). Cytogenetic location: 12q24.33.
Variant type: single nucleotide variant.
Coding change: c.4124C>T on transcript NM_006231.4 (MANE Select); coding-DNA position 4124, C replaced by T.
Protein change: p.Ala1375Val; replaces alanine 1375 with valine.
Molecular consequence: missense variant.
Genome position (GRCh38, 1-based): chr12:132,648,954, G>A on the plus strand (C>T on the coding strand, the complement: POLE is on the minus strand). VCF-style: chr12-132648954-G-A. GRCh37 (hg19) VCF-style: chr12-133225540-G-A.
Other names: short protein forms A1375V.
Identifiers: ClinVar variation 405698 (VCV000405698.14), dbSNP rs766168647, ClinGen allele CA6892994.